The following is an entry in ClinVar:

ClinVar aggregate classification (germline): Uncertain significance (1 of 4 stars; one submission).

gnomAD v4.1: 33 of 1,614,042 alleles (0.002%); highest among the groups gnomAD compares: African/African-American, 0.041%; no homozygotes.

Submission:

GeneDx
Classification: Uncertain significance. Last evaluated: 2024-09-11. Review status: criteria provided, single submitter. Criteria: GeneDx Variant Classification Process June 2021. Collection method: clinical testing. Allele origin: germline. Affected: yes.
Comment: In silico analysis supports that this missense variant has a deleterious effect on protein structure/function; Has not been previously published as pathogenic or benign to our knowledge

NM_058004.4(PI4KA):c.2846A>G (p.Asn949Ser)

Gene: PI4KA (phosphatidylinositol 4-kinase alpha; minus strand). Cytogenetic location: 22q11.21.
Variant type: single nucleotide variant.
Coding change: c.2846A>G on transcript NM_058004.4 (MANE Select); coding-DNA position 2846, A replaced by G.
Protein change: p.Asn949Ser; replaces asparagine 949 with serine.
Molecular consequence: missense variant.
Genome position (GRCh38, 1-based): chr22:20,753,126, T>C on the plus strand (A>G on the coding strand, the complement: PI4KA is on the minus strand). VCF-style: chr22-20753126-T-C. GRCh37 (hg19) VCF-style: chr22-21107414-T-C.
Other names: c.2846A>G, p.Asn949Ser (NM_001362862.2); c.2780A>G, p.Asn927Ser (NM_001362863.2); short protein forms N927S, N949S.
Identifiers: ClinVar variation 3770102 (VCV003770102.1).